The following is an entry in ClinVar:

NM_006206.6(PDGFRA):c.1675T>C (p.Trp559Arg)

Gene: PDGFRA (platelet derived growth factor receptor alpha; plus strand). Cytogenetic location: 4q12.
Variant type: single nucleotide variant.
Coding change: c.1675T>C on transcript NM_006206.6 (MANE Select); coding-DNA position 1675, T replaced by C.
Protein change: p.Trp559Arg; replaces tryptophan 559 with arginine.
Molecular consequence: missense variant.
Genome position (GRCh38, 1-based): chr4:54,274,862, T>C. VCF-style: chr4-54274862-T-C. GRCh37 (hg19) VCF-style: chr4-55141029-T-C.
Other names: c.1675T>C, p.Trp559Arg (NM_001347827.2, NM_001347829.2); c.1750T>C, p.Trp584Arg (NM_001347828.2); c.1714T>C, p.Trp572Arg (NM_001347830.2); short protein forms W559R, W572R, W584R.
Identifiers: ClinVar variation 4530328 (VCV004530328.1).
Genomic context (GRCh38, chr4:54,274,862, plus strand): 5'-TTTGGTAATTCACCAGTTACCTGTCCTGGTCATTTATAGAAACCGAGGTATGAAATTCGC[T>C]GGAGGGTCATTGAATCAATCAGCCCAGATGGACATGAATATATTTATGTGGACCCGATGC-3'
Protein context (NP_006197.1, residues 549-569): WKQKPRYEIR[Trp559Arg]RVIESISPDG

ClinVar aggregate classification (somatic clinical impact): Tier I - Strong (1 of 4 stars; one submission).

Conditions:
Diffuse midline glioma, H3 K27M-mutant. Identifiers: MedGen C4289688, MONDO:0957196.

Submission:

Institute for Genomic Medicine (IGM) Clinical Laboratory, Nationwide Children's Hospital
Classification: Tier I - Strong for Diffuse midline glioma, H3 K27M-mutant. Assertion type: diagnostic. Clinical significance: supports diagnosis. Last evaluated: 2023-06-18. Review status: criteria provided, single submitter. Criteria: AMP/ASCO/CAP Guidelines, 2017. Collection method: clinical testing. Allele origin: somatic. Affected: yes.
Comment: Variant has Tier I (strong) clinical significance as a diagnostic inclusion criterion in diffuse midline glioma, H3 K27M-mutant, based on the following evidence: 1) Appears in one or more well-established professional guidelines (e.g., World Health Organization [WHO]; National Comprehensive Cancer Network [NCCN]) as providing diagnostic, prognostic, or therapeutic information. 2) Diagnostic for a specific tumor type/classification based on well-powered studies with expert-level consensus (Evidence Level B; PMIDs: 24705251, 25230881, 27582545, 28966033, 29763623).

Literature cited by the submitters: PubMed 24705251; PubMed 25230881; PubMed 27582545; PubMed 28966033; PubMed 29763623.